The following is an entry in ClinVar:

ClinVar aggregate classification (germline): Uncertain significance (1 of 4 stars; one submission).

Allele frequency attached by ClinVar (database versions not stated): gnomAD exomes below 0.00001.
gnomAD v4.1: 1 of 1,614,202 alleles (0.000062%); highest among the groups gnomAD compares: Non-Finnish European, 0.000085%; no homozygotes.

Submission:

Women's Health and Genetics/Laboratory Corporation of America, LabCorp
Classification: Uncertain significance. Last evaluated: 2023-10-16. Review status: criteria provided, single submitter. Criteria: LabCorp Variant Classification Summary - May 2015. Collection method: clinical testing. Allele origin: germline.
Comment: Variant summary: GRIN2B c.3952G>A (p.Ala1318Thr) results in a non-conservative amino acid change located in the glutamate [NMDA] receptor, epsilon subunit, C-terminal domain (IPR018884) of the encoded protein sequence. Three of five in-silico tools predict a benign effect of the variant on protein function. The variant was absent in 251322 control chromosomes (gnomAD). The available data on variant occurrences in the general population are insufficient to allow any conclusion about variant significance. To our knowledge, no occurrence of c.3952G>A in individuals affected with Autosomal Dominant Mental Retardation and no experimental evidence demonstrating its impact on protein function have been reported. No submitters have cited clinical-significance assessments for this variant to ClinVar after 2014. Based on the evidence outlined above, the variant was classified as uncertain significance.

NM_000834.5(GRIN2B):c.3952G>A (p.Ala1318Thr)

Gene: GRIN2B (glutamate ionotropic receptor NMDA type subunit 2B; minus strand). Cytogenetic location: 12p13.1.
Variant type: single nucleotide variant.
Coding change: c.3952G>A on transcript NM_000834.5 (MANE Select); coding-DNA position 3952, G replaced by A.
Protein change: p.Ala1318Thr; replaces alanine 1318 with threonine.
Molecular consequence: missense variant.
Genome position (GRCh38, 1-based): chr12:13,563,286, C>T on the plus strand (G>A on the coding strand, the complement: GRIN2B is on the minus strand). VCF-style: chr12-13563286-C-T. GRCh37 (hg19) VCF-style: chr12-13716220-C-T.
Other names: c.3952G>A, p.Ala1318Thr (NM_001413992.1); short protein forms A1318T.
Identifiers: ClinVar variation 2637741 (VCV002637741.1), dbSNP rs2497466410, ClinGen allele CA383987148.